The following is an entry in ClinVar:

NC_000013.10:g.(?_111098156)_(111111301_?)del

Gene: COL4A2 (collagen type IV alpha 2 chain; plus strand). Cytogenetic location: 13q34.
Variant type: Deletion.
Identifiers: ClinVar variation 1373962 (VCV001373962.6).

ClinVar aggregate classification (germline): Uncertain significance (1 of 4 stars; one submission).

Submission:

Labcorp Genetics (formerly Invitae), Labcorp
Classification: Uncertain significance. Last evaluated: 2021-04-10. Review status: criteria provided, single submitter. Criteria: Invitae Variant Classification Sherloc (09022015). Collection method: clinical testing. Allele origin: germline.
Comment: In summary, the available evidence is currently insufficient to determine the role of this variant in disease. Therefore, it has been classified as a Variant of Uncertain Significance. This variant has not been reported in the literature in individuals with COL4A2-related conditions. This variant is a gross deletion of the genomic region encompassing exon(s) 17-22 of the COL4A2 gene. This variant would be expected to be in-frame, preserving the integrity of the reading frame.